The following is an entry in ClinVar:

NM_017636.4(TRPM4):c.3551G>T (p.Arg1184Leu)

Gene: TRPM4 (transient receptor potential cation channel subfamily M member 4; plus strand). Cytogenetic location: 19q13.33.
Variant type: single nucleotide variant.
Coding change: c.3551G>T on transcript NM_017636.4 (MANE Select); coding-DNA position 3551, G replaced by T.
Protein change: p.Arg1184Leu; replaces arginine 1184 with leucine.
Molecular consequence: missense variant.
Genome position (GRCh38, 1-based): chr19:49,211,180, G>T. VCF-style: chr19-49211180-G-T. GRCh37 (hg19) VCF-style: chr19-49714437-G-T.
Other names: c.3116G>T, p.Arg1039Leu (NM_001195227.2); c.3206G>T, p.Arg1069Leu (NM_001321281.2); c.1943G>T, p.Arg648Leu (NM_001321282.2); c.3029G>T, p.Arg1010Leu (NM_001321283.2); c.2489G>T, p.Arg830Leu (NM_001321285.2); short protein forms R1010L, R1039L, R1069L, R1184L, R648L, R830L.
Identifiers: ClinVar variation 4865970 (VCV004865970.1).
Genomic context (GRCh38, chr19:49,211,180, plus strand): 5'-GCAGGGGTCCCATCTCCCGCTCTGACATTCCTCCCATTCCGCAGGTCCAGCAGTGTAGCC[G>T]CGTCCTGGGGTGGGTGGCCGAGGCCCTGAGCCGCTCTGCCTTGCTGCCCCCAGGTGGGCC-3'
Protein context (NP_060106.2, residues 1174-1194): VLEREVQQCS[Arg1184Leu]VLGWVAEALS

ClinVar aggregate classification (germline): Uncertain significance (1 of 4 stars; one submission).

Conditions:
Cardiovascular phenotype. Identifiers: MedGen CN230736.

Submission:

Ambry Genetics
Classification: Uncertain significance for Cardiovascular phenotype. Last evaluated: 2026-03-21. Review status: criteria provided, single submitter. Criteria: Ambry Variant Classification Scheme 2023. Collection method: clinical testing. Allele origin: germline.
Comment: The p.R1184L variant (also known as c.3551G>T), located in coding exon 24 of the TRPM4 gene, results from a G to T substitution at nucleotide position 3551. The arginine at codon 1184 is replaced by leucine, an amino acid with dissimilar properties. This amino acid position is conserved. In addition, this alteration is predicted to be tolerated by in silico analysis. Based on the available evidence, the clinical significance of this variant remains unclear.